The following is an entry in ClinVar:

NM_181426.2(CCDC39):c.307C>T (p.Arg103Trp)

Gene: CCDC39 (coiled-coil domain 39 molecular ruler complex subunit; minus strand). Cytogenetic location: 3q26.33.
Variant type: single nucleotide variant.
Coding change: c.307C>T on transcript NM_181426.2 (MANE Select); coding-DNA position 307, C replaced by T.
Protein change: p.Arg103Trp; replaces arginine 103 with tryptophan.
Molecular consequence: missense variant.
Genome position (GRCh38, 1-based): chr3:180,661,911, G>A on the plus strand (C>T on the coding strand, the complement: CCDC39 is on the minus strand). VCF-style: chr3-180661911-G-A. GRCh37 (hg19) VCF-style: chr3-180379699-G-A.
Other names: short protein forms R103W.
Identifiers: ClinVar variation 525295 (VCV000525295.13), dbSNP rs61733582, ClinGen allele CA2716202.

ClinVar aggregate classification (germline): Uncertain significance. Review status: criteria provided, multiple submitters, no conflicts (2 of 4 stars). 3 submissions from 3 submitters: Uncertain significance (3). Last evaluated 2024-10-25.

Conditions:
Primary ciliary dyskinesia 14. Also called: CILIARY DYSKINESIA, PRIMARY, 14, WITH OR WITHOUT SITUS INVERSUS. Identifiers: Orphanet 244, MedGen C3151136, MONDO:0013434, OMIM 613807.
Primary ciliary dyskinesia. Also called: Ciliary dyskinesia. Identifiers: Orphanet 244, MedGen C0008780, MONDO:0016575, HP:0012265.

Allele frequency attached by ClinVar (database versions not stated): ESP Exome Variant Server 0.00008; TOPMed 0.00022; 1000 Genomes Project 0.00040; 1000 Genomes Project 30x 0.00047; ExAC 0.00047.
gnomAD v4.1: 308 of 1,587,208 alleles (0.019%); highest among the groups gnomAD compares: East Asian, 0.14%; no homozygotes.

Submissions (3):

Blueprint Genetics
Classification: Uncertain significance. Last evaluated: 2024-10-25. Review status: criteria provided, single submitter. Criteria: ACMG Guidelines, 2015. Collection method: clinical testing. Allele origin: germline.

Labcorp Genetics (formerly Invitae), Labcorp
Classification: Uncertain significance for Primary ciliary dyskinesia. Last evaluated: 2022-07-19. Review status: criteria provided, single submitter. Criteria: Invitae Variant Classification Sherloc (09022015). Collection method: clinical testing. Allele origin: germline.
Comment: This sequence change replaces arginine, which is basic and polar, with tryptophan, which is neutral and slightly polar, at codon 103 of the CCDC39 protein (p.Arg103Trp). This variant is present in population databases (rs61733582, gnomAD 0.07%). This variant has not been reported in the literature in individuals affected with CCDC39-related conditions. ClinVar contains an entry for this variant (Variation ID: 525295). Algorithms developed to predict the effect of missense changes on protein structure and function are either unavailable or do not agree on the potential impact of this missense change (SIFT: "Deleterious"; PolyPhen-2: "Probably Damaging"; Align-GVGD: "Class C0"). In summary, the available evidence is currently insufficient to determine the role of this variant in disease. Therefore, it has been classified as a Variant of Uncertain Significance.

Illumina Laboratory Services, Illumina
Classification: Uncertain significance for Primary ciliary dyskinesia 14. Last evaluated: 2018-01-12. Review status: criteria provided, single submitter. Criteria: ICSL Variant Classification Criteria 13 December 2019. Collection method: clinical testing. Allele origin: germline.